The following is an entry in ClinVar:

NM_006996.3(SLC19A2):c.156C>T (p.Phe52=)

Genes: SLC19A2 (solute carrier family 19 member 2; minus strand), LOC129931894 (ATAC-STARR-seq lymphoblastoid silent region 1546; plus strand). Cytogenetic location: 1q24.2.
Variant type: single nucleotide variant.
Coding change: c.156C>T on transcript NM_006996.3 (MANE Select); coding-DNA position 156, C replaced by T.
Protein change: p.Phe52=; no amino-acid change (phenylalanine 52 retained).
Molecular consequence: synonymous variant.
Genome position (GRCh38, 1-based): chr1:169,485,611, G>A on the plus strand (C>T on the coding strand, the complement: SLC19A2 is on the minus strand). VCF-style: chr1-169485611-G-A. GRCh37 (hg19) VCF-style: chr1-169454849-G-A.
Other names: c.156C>T, p.Phe52= (NM_001319667.1).
Identifiers: ClinVar variation 2188689 (VCV002188689.23), dbSNP rs375301246, ClinGen allele CA1233148.
Genomic context (GRCh38, chr1:169,485,611, plus strand): 5'-CGCCGCGCGTACCTCCCTCTCGGTCAGGTTCTTGTCCGGCCCCAGCAGGTACGGGGTCAG[G>A]AAGGGCTCGGACGGCCTGAGGCTGGCGAAGAAGCCGTAGGCGCAGAGCAGCGCGGTCGGC-3'
Protein context (NP_008927.1, residues 42-62): FFASLRPSEP[Phe52=]LTPYLLGPDK

ClinVar aggregate classification (germline): Likely benign. Review status: criteria provided, multiple submitters, no conflicts (2 of 4 stars). 3 submissions from 3 submitters: Likely benign (3). Last evaluated 2025-12-03.

Allele frequency attached by ClinVar (database versions not stated): gnomAD 0.00004; TOPMed 0.00006; ExAC 0.00016; ESP Exome Variant Server 0.00016.
gnomAD v4.1: 76 of 1,577,334 alleles (0.0048%); highest among the groups gnomAD compares: Admixed American, 0.018%; 1 homozygote.

Submissions (3):

Labcorp Genetics (formerly Invitae), Labcorp
Classification: Likely benign. Last evaluated: 2025-12-03. Review status: criteria provided, single submitter. Criteria: Invitae Variant Classification Sherloc (09022015). Collection method: clinical testing. Allele origin: germline.

Blueprint Genetics
Classification: Likely benign. Last evaluated: 2024-07-24. Review status: criteria provided, single submitter. Criteria: ACMG Guidelines, 2015. Collection method: clinical testing. Allele origin: germline.

CeGaT Center for Human Genetics Tuebingen
Classification: Likely benign. Last evaluated: 2024-06-01. Review status: criteria provided, single submitter. Criteria: CeGaT Center For Human Genetics Tuebingen Variant Classification Criteria Version 2. Collection method: clinical testing. Allele origin: germline. Affected: yes. Observed: 1 variant allele.
Comment: SLC19A2: BP4, BP7